The following is an entry in ClinVar:

NM_001128840.3(CACNA1D):c.2278A>C (p.Ser760Arg)

Gene: CACNA1D (calcium voltage-gated channel subunit alpha1 D; plus strand). Cytogenetic location: 3p21.1.
Variant type: single nucleotide variant.
Coding change: c.2278A>C on transcript NM_001128840.3 (MANE Select); coding-DNA position 2278, A replaced by C.
Protein change: p.Ser760Arg; replaces serine 760 with arginine.
Molecular consequence: missense variant.
Genome position (GRCh38, 1-based): chr3:53,730,498, A>C. VCF-style: chr3-53730498-A-C. GRCh37 (hg19) VCF-style: chr3-53764525-A-C.
Other names: c.2338A>C, p.Ser780Arg (NM_000720.4); c.2278A>C, p.Ser760Arg (NM_001128839.3); short protein forms S760R, S780R.
Identifiers: ClinVar variation 4740308 (VCV004740308.1).

ClinVar aggregate classification (germline): Uncertain significance (1 of 4 stars; one submission).

gnomAD v4.1: 2 of 1,614,092 alleles (0.00012%); highest among the groups gnomAD compares: Non-Finnish European, 0.00017%; no homozygotes.

Submission:

Labcorp Genetics (formerly Invitae), Labcorp
Classification: Uncertain significance. Last evaluated: 2025-03-09. Review status: criteria provided, single submitter. Criteria: Invitae Variant Classification Sherloc (09022015). Collection method: clinical testing. Allele origin: germline.
Comment: This sequence change replaces serine, which is neutral and polar, with arginine, which is basic and polar, at codon 780 of the CACNA1D protein (p.Ser780Arg). This variant is present in population databases (no rsID available, gnomAD 0.007%). This variant has not been reported in the literature in individuals affected with CACNA1D-related conditions. Invitae Evidence Modeling of protein sequence and biophysical properties (such as structural, functional, and spatial information, amino acid conservation, physicochemical variation, residue mobility, and thermodynamic stability) indicates that this missense variant is not expected to disrupt CACNA1D protein function with a negative predictive value of 80%. In summary, the available evidence is currently insufficient to determine the role of this variant in disease. Therefore, it has been classified as a Variant of Uncertain Significance.